The following is an entry in ClinVar:

NM_001184.4(ATR):c.3671A>C (p.His1224Pro)

Gene: ATR (ATR serine/threonine kinase; minus strand). Cytogenetic location: 3q23.
Variant type: single nucleotide variant.
Coding change: c.3671A>C on transcript NM_001184.4 (MANE Select); coding-DNA position 3671, A replaced by C.
Protein change: p.His1224Pro; replaces histidine 1224 with proline.
Molecular consequence: missense variant.
Genome position (GRCh38, 1-based): chr3:142,538,536, T>G on the plus strand (A>C on the coding strand, the complement: ATR is on the minus strand). VCF-style: chr3-142538536-T-G. GRCh37 (hg19) VCF-style: chr3-142257378-T-G.
Other names: c.3479A>C, p.His1160Pro (NM_001354579.2); short protein forms H1160P, H1224P.
Identifiers: ClinVar variation 3331562 (VCV003331562.1).
Genomic context (GRCh38, chr3:142,538,536, plus strand): 5'-CAATACCTGTTTTCAATTATGAGGTAGTGGAAGATAGCTGCAGTTTCTTTAGGCTGGATG[T>G]GTATAAGAGGTAACAAAGCTACTATTACATGACTGAGAAGGGAGCCCAGACAAGCATGAT-3'
Protein context (NP_001175.2, residues 1214-1234): HVIVALLPLI[His1224Pro]IQPKETAAIF

ClinVar aggregate classification (germline): Uncertain significance (1 of 4 stars; one submission).

Conditions:
Inborn genetic diseases. Identifiers: MedGen C0950123, MeSH D030342.

gnomAD v4.1: 1 of 1,613,490 alleles (0.000062%); highest among the groups gnomAD compares: Non-Finnish European, 0.000085%; no homozygotes.

Submission:

Ambry Genetics
Classification: Uncertain significance for Inborn genetic diseases. Last evaluated: 2024-04-14. Review status: criteria provided, single submitter. Criteria: Ambry Variant Classification Scheme 2023. Collection method: clinical testing. Allele origin: germline.
Comment: The p.H1224P variant (also known as c.3671A>C), located in coding exon 19 of the ATR gene, results from an A to C substitution at nucleotide position 3671. The histidine at codon 1224 is replaced by proline, an amino acid with similar properties. This amino acid position is conserved. In addition, this alteration is predicted to be tolerated by in silico analysis. Based on the available evidence, the clinical significance of this variant remains unclear.